The following is an entry in ClinVar:

ClinVar aggregate classification (germline): Uncertain significance (1 of 4 stars; one submission).

Conditions:
Hereditary cancer-predisposing syndrome. Also called: Hereditary neoplastic syndrome; Neoplastic Syndromes, Hereditary; Tumor predisposition; Hereditary Cancer Syndrome. Identifiers: Orphanet 140162, MedGen C0027672, MeSH D009386, MONDO:0015356.
Cardiovascular phenotype. Identifiers: MedGen CN230736.

Submission:

Ambry Genetics
Classification: Uncertain significance for Cardiovascular phenotype; Hereditary cancer-predisposing syndrome. Last evaluated: 2025-03-02. Review status: criteria provided, single submitter. Criteria: Ambry Variant Classification Scheme 2023. Collection method: clinical testing. Allele origin: germline.
Comment: The p.H676Y variant (also known as c.2026C>T), located in coding exon 17 of the LZTR1 gene, results from a C to T substitution at nucleotide position 2026. The histidine at codon 676 is replaced by tyrosine, an amino acid with similar properties. This amino acid position is conserved. In addition, this alteration is predicted to be tolerated by in silico analysis. Based on the available evidence, the clinical significance of this variant remains unclear.

NM_006767.4(LZTR1):c.2026C>T (p.His676Tyr)

Gene: LZTR1 (leucine zipper like post translational regulator 1; plus strand). Cytogenetic location: 22q11.21.
Variant type: single nucleotide variant.
Coding change: c.2026C>T on transcript NM_006767.4 (MANE Select); coding-DNA position 2026, C replaced by T.
Protein change: p.His676Tyr; replaces histidine 676 with tyrosine.
Molecular consequence: missense variant.
Genome position (GRCh38, 1-based): chr22:20,995,829, C>T. VCF-style: chr22-20995829-C-T. GRCh37 (hg19) VCF-style: chr22-21350118-C-T.
Other names: short protein forms H676Y.
Identifiers: ClinVar variation 3869234 (VCV003869234.1).